The following is an entry in ClinVar:

ClinVar aggregate classification (germline): Uncertain significance (1 of 4 stars; one submission).

Submission:

GeneDx
Classification: Uncertain significance. Last evaluated: 2025-08-02. Review status: criteria provided, single submitter. Criteria: GeneDx Variant Classification Process June 2021. Collection method: clinical testing. Allele origin: germline. Affected: yes.
Comment: Not observed at significant frequency in large population cohorts (gnomAD); Nonsense variant predicted to result in protein truncation or nonsense mediated decay in a gene or region of a gene for which loss of function is not a well-established mechanism of disease; Has not been previously published as pathogenic or benign to our knowledge

NM_019842.4(KCNQ5):c.287dup (p.Tyr96Ter)

Genes: KCNQ5 (potassium voltage-gated channel subfamily Q member 5; plus strand), KCNQ5-DT (KCNQ5 divergent transcript; minus strand). Cytogenetic location: 6q13.
Variant type: Duplication.
Coding change: c.287dup on transcript NM_019842.4 (MANE Select); coding-DNA position 287, one base duplicated (A; older notation c.287dupA).
Protein change: p.Tyr96Ter; replaces tyrosine 96 with a stop codon.
Molecular consequence: nonsense.
Genome position (GRCh38, 1-based): chr6:72,622,476, A duplicated. VCF-style (leftmost placement, unchanged base first): chr6-72622475-T-TA. GRCh37 (hg19) VCF-style: chr6-73332203-T-TA.
Other names: c.287dup, p.Tyr96Ter (NM_001160130.2, NM_001160132.2, NM_001160133.2 and 1 more transcripts); short protein forms Y96*.
Identifiers: ClinVar variation 4690068 (VCV004690068.1).
Genomic context (GRCh38, chr6:72,622,475, plus strand): 5'-AGGGAGAGCCGCCGGGGCAAGCAGGGGGCCCGGATGAGCCTGCTGGGGAAGCCGCTCTCT[T>TA]ACACGAGTAGCCAGAGCTGCCGGCGCAACGTCAAGTACCGGCGGGTGCAGAACTACCTGT-3'